The following is an entry in ClinVar:

NM_000053.4(ATP7B):c.4025T>A (p.Val1342Asp)

Gene: ATP7B (ATPase copper transporting beta; minus strand). Cytogenetic location: 13q14.3.
Variant type: single nucleotide variant.
Coding change: c.4025T>A on transcript NM_000053.4 (MANE Select); coding-DNA position 4025, T replaced by A.
Protein change: p.Val1342Asp; replaces valine 1342 with aspartic acid.
Molecular consequence: missense variant.
Genome position (GRCh38, 1-based): chr13:51,935,692, A>T on the plus strand (T>A on the coding strand, the complement: ATP7B is on the minus strand). VCF-style: chr13-51935692-A-T. GRCh37 (hg19) VCF-style: chr13-52509828-A-T.
Other names: c.3773T>A, p.Val1258Asp (NM_001406531.1, NM_001406532.1, NM_001330579.2); c.3737T>A, p.Val1246Asp (NM_001406534.1); c.3695T>A, p.Val1232Asp (NM_001406535.1, NM_001406536.1); c.3686T>A, p.Val1229Asp (NM_001406537.1); c.3647T>A, p.Val1216Asp (NM_001406538.1); c.3596T>A, p.Val1199Asp (NM_001406539.1); c.3578T>A, p.Val1193Asp (NM_001406540.1); c.3539T>A, p.Val1180Asp (NM_001406541.1, NM_001406542.1); and 21 more; short protein forms V1061D, V1115D, V1126D, V1135D, V1148D, V1178D, V1180D, V1193D.
Identifiers: ClinVar variation 3071722 (VCV003071722.1), dbSNP rs755640183, ClinGen allele CA6988503.
Genomic context (GRCh38, chr13:51,935,692, plus strand): 5'-GAGGCTGCCATGGCCGCTGAGCCCATCCAGGGCTGCAGCACAATGCCGATGGGCATGAAG[A>T]CACCTGGGGAAGAAAGAACTCGCACTCACACCTAGGTCTGGGGAGAGGAGCCAGGAGAGG-3'
Protein context (NP_000044.2, residues 1332-1352): NLVGIPIAAG[Val1342Asp]FMPIGIVLQP

ClinVar aggregate classification (germline): Uncertain significance (1 of 4 stars; one submission).

Conditions:
Wilson disease (WND). Also called: Wilson's disease. Identifiers: Orphanet 905, MedGen C0019202, MONDO:0010200, OMIM 277900. Disease mechanism: loss of function.

Allele frequency attached by ClinVar (database versions not stated): gnomAD exomes below 0.00001; ExAC 0.00002.
gnomAD v4.1: 2 of 1,611,668 alleles (0.00012%); no homozygotes.

Submission:

All of Us Research Program, National Institutes of Health
Classification: Uncertain significance for Wilson disease. Last evaluated: 2023-06-28. Review status: criteria provided, single submitter. Criteria: ACMG Guidelines, 2015. Collection method: clinical testing. Allele origin: germline. Inheritance: Autosomal recessive inheritance. Observed: 1 variant allele, 1 heterozygote.
Comment: This study involves interpretation of variants in research participants for the purpose of population health screening. Participant phenotype was not available at the time of variant classification. Additional details can be found in publication PMID: 35346344, PMCID: PMC8962531